The following is an entry in ClinVar:

NM_000465.4(BARD1):c.109A>C (p.Ser37Arg)

Gene: BARD1 (BRCA1 associated RING domain 1; minus strand). Cytogenetic location: 2q35.
Variant type: single nucleotide variant.
Coding change: c.109A>C on transcript NM_000465.4 (MANE Select); coding-DNA position 109, A replaced by C.
Protein change: p.Ser37Arg; replaces serine 37 with arginine.
Molecular consequence: missense variant. On other transcripts: non-coding transcript variant (3).
Genome position (GRCh38, 1-based): chr2:214,809,461, T>G on the plus strand (A>C on the coding strand, the complement: BARD1 is on the minus strand). VCF-style: chr2-214809461-T-G. GRCh37 (hg19) VCF-style: chr2-215674185-T-G.
Other names: c.109A>C, p.Ser37Arg (NM_001282543.2, NM_001282545.2, NM_001282548.2 and 1 more transcripts); short protein forms S37R.
Identifiers: ClinVar variation 1791642 (VCV001791642.2), dbSNP rs1064793565, ClinGen allele CA350464993.

ClinVar aggregate classification (germline): Uncertain significance (1 of 4 stars; one submission).

Conditions:
Hereditary cancer-predisposing syndrome. Also called: Hereditary Cancer Syndrome; Hereditary neoplastic syndrome; Tumor predisposition; Neoplastic Syndromes, Hereditary. Identifiers: Orphanet 140162, MedGen C0027672, MeSH D009386, MONDO:0015356.

Submission:

Ambry Genetics
Classification: Uncertain significance for Hereditary cancer-predisposing syndrome. Last evaluated: 2020-05-15. Review status: criteria provided, single submitter. Criteria: Ambry Variant Classification Scheme 2023. Collection method: clinical testing. Allele origin: germline.
Comment: The p.S37R variant (also known as c.109A>C), located in coding exon 1 of the BARD1 gene, results from an A to C substitution at nucleotide position 109. The serine at codon 37 is replaced by arginine, an amino acid with dissimilar properties. This amino acid position is well conserved in available vertebrate species. In addition, the in silico prediction for this alteration is inconclusive. Since supporting evidence is limited at this time, the clinical significance of this alteration remains unclear.